The following is an entry in ClinVar:

ClinVar aggregate classification (germline): Likely benign (0 of 4 stars; one submission).

Conditions:
TGIF1-related disorder. Also called: TGIF1-related condition.

Allele frequency attached by ClinVar (database versions not stated): ExAC 0.00007.
gnomAD v4.1: 61 of 1,612,878 alleles (0.0038%); highest among the groups gnomAD compares: South Asian, 0.066%; no homozygotes.

Submission:

PreventionGenetics, part of Exact Sciences
Classification: Likely benign for TGIF1-related condition. Last evaluated: 2023-09-15. Review status: no assertion criteria provided. Collection method: clinical testing. Allele origin: germline.
Comment: This variant is classified as likely benign based on ACMG/AMP sequence variant interpretation guidelines (Richards et al. 2015 PMID: 25741868, with internal and published modifications).

NM_003244.4(TGIF1):c.16+1801G>T

Gene: TGIF1 (TGFB induced factor homeobox 1; plus strand). Cytogenetic location: 18p11.31.
Variant type: single nucleotide variant.
Coding change: c.16+1801G>T on transcript NM_003244.4 (MANE Select); 1801 bases into the intron after coding-DNA position 16, G replaced by T.
Molecular consequence: intron variant. On other transcripts: 5 prime UTR variant (1).
Genome position (GRCh38, 1-based): chr18:3,452,306, G>T. VCF-style: chr18-3452306-G-T. GRCh37 (hg19) VCF-style: chr18-3452304-G-T.
Other names: c.-121G>T (NM_170695.5); c.-44-4048G>T (NM_174886.3, NM_001278686.3); c.59-4048G>T (NM_173207.4); c.-45+3767G>T (NM_001374396.1); c.25+2650G>T (NM_001278682.2); c.16+1801G>T (NM_173208.3, NM_001278684.2); c.-45+2236G>T (NM_173209.3); c.-45+531G>T (NM_173210.4); and 1 more.
Identifiers: ClinVar variation 3057259 (VCV003057259.2), dbSNP rs747833883, ClinGen allele CA8875816.